The following is an entry in ClinVar:

NM_024664.4(PPCS):c.398G>C (p.Arg133Thr)

Genes: PPCS (phosphopantothenoylcysteine synthetase; plus strand), CCDC30 (coiled-coil domain containing 30; plus strand). Cytogenetic location: 1p34.2.
Variant type: single nucleotide variant.
Coding change: c.398G>C on transcript NM_024664.4 (MANE Select); coding-DNA position 398, G replaced by C.
Protein change: p.Arg133Thr; replaces arginine 133 with threonine.
Molecular consequence: missense variant. On other transcripts: 5 prime UTR variant (1), intron variant (6).
Genome position (GRCh38, 1-based): chr1:42,456,963, G>C. VCF-style: chr1-42456963-G-C. GRCh37 (hg19) VCF-style: chr1-42922634-G-C.
Other names: c.-295G>C (NM_001287510.2); c.398G>C, p.Arg133Thr (NM_001287511.2); c.-983-284G>C (NM_001355226.2); c.-327-284G>C (NM_001287507.1); c.-11-284G>C (NM_001287506.1, NM_001077447.3, NM_001287509.2); c.-12+239G>C (NM_001287508.2); short protein forms R133T.
Identifiers: ClinVar variation 1350849 (VCV001350849.8), dbSNP rs1200929587, ClinGen allele CA339946122.

ClinVar aggregate classification (germline): Uncertain significance (1 of 4 stars; one submission).

Submission:

Labcorp Genetics (formerly Invitae), Labcorp
Classification: Uncertain significance. Last evaluated: 2022-04-01. Review status: criteria provided, single submitter. Criteria: Invitae Variant Classification Sherloc (09022015). Collection method: clinical testing. Allele origin: germline.
Comment: This variant is not present in population databases (gnomAD no frequency). In summary, the available evidence is currently insufficient to determine the role of this variant in disease. Therefore, it has been classified as a Variant of Uncertain Significance. Algorithms developed to predict the effect of missense changes on protein structure and function (SIFT, PolyPhen-2, Align-GVGD) all suggest that this variant is likely to be tolerated. This variant has not been reported in the literature in individuals affected with PPCS-related conditions. This sequence change replaces arginine, which is basic and polar, with threonine, which is neutral and polar, at codon 133 of the PPCS protein (p.Arg133Thr).